The following is an entry in ClinVar:

NM_000742.4(CHRNA2):c.767C>A (p.Thr256Asn)

Gene: CHRNA2 (cholinergic receptor nicotinic alpha 2 subunit; minus strand). Cytogenetic location: 8p21.2.
Variant type: single nucleotide variant.
Coding change: c.767C>A on transcript NM_000742.4 (MANE Select); coding-DNA position 767, C replaced by A.
Protein change: p.Thr256Asn; replaces threonine 256 with asparagine.
Molecular consequence: missense variant.
Genome position (GRCh38, 1-based): chr8:27,463,676, G>T on the plus strand (C>A on the coding strand, the complement: CHRNA2 is on the minus strand). VCF-style: chr8-27463676-G-T. GRCh37 (hg19) VCF-style: chr8-27321193-G-T.
Other names: c.722C>A, p.Thr241Asn (NM_001282455.2); c.290C>A, p.Thr97Asn (NM_001347705.2, NM_001347706.2); c.173C>A, p.Thr58Asn (NM_001347707.2, NM_001347708.2); short protein forms T58N, T97N, T241N, T256N.
Identifiers: ClinVar variation 657684 (VCV000657684.8), dbSNP rs1586390822, ClinGen allele CA370810782.

ClinVar aggregate classification (germline): Uncertain significance. Review status: criteria provided, multiple submitters, no conflicts (2 of 4 stars). 2 submissions from 2 submitters: Uncertain significance (2). Last evaluated 2025-10-01.

Conditions:
Familial sleep-related hypermotor epilepsy. Also called: Autosomal Dominant Sleep-Related Hypermotor (Hyperkinetic) Epilepsy. Identifiers: Orphanet 98784, MedGen C3696898, MONDO:0000030.

Allele frequency attached by ClinVar (database versions not stated): gnomAD 0.00001; gnomAD exomes 0.00001.
gnomAD v4.1: 11 of 1,614,006 alleles (0.00068%); highest among the groups gnomAD compares: African/African-American, 0.0013%; no homozygotes.

Submissions (2):

Labcorp Genetics (formerly Invitae), Labcorp
Classification: Uncertain significance. Last evaluated: 2025-10-01. Review status: criteria provided, single submitter. Criteria: Invitae Variant Classification Sherloc (09022015). Collection method: clinical testing. Allele origin: germline.
Comment: This sequence change replaces threonine, which is neutral and polar, with asparagine, which is neutral and polar, at codon 256 of the CHRNA2 protein (p.Thr256Asn). This variant is not present in population databases (gnomAD no frequency). This variant has not been reported in the literature in individuals affected with CHRNA2-related conditions. ClinVar contains an entry for this variant (Variation ID: 657684). Invitae Evidence Modeling of protein sequence and biophysical properties (such as structural, functional, and spatial information, amino acid conservation, physicochemical variation, residue mobility, and thermodynamic stability) indicates that this missense variant is expected to disrupt CHRNA2 protein function with a positive predictive value of 80%. In summary, the available evidence is currently insufficient to determine the role of this variant in disease. Therefore, it has been classified as a Variant of Uncertain Significance.

Blueprint Genetics
Classification: Uncertain significance. Last evaluated: 2023-11-07. Review status: criteria provided, single submitter. Criteria: ACMG Guidelines, 2015. Collection method: clinical testing. Allele origin: germline.